The following is an entry in ClinVar:

NM_020884.7(MYH7B):c.4570A>T (p.Ser1524Cys)

Gene: MYH7B (myosin heavy chain 7B; plus strand). Cytogenetic location: 20q11.22.
Variant type: single nucleotide variant.
Coding change: c.4570A>T on transcript NM_020884.7 (MANE Select); coding-DNA position 4570, A replaced by T.
Protein change: p.Ser1524Cys; replaces serine 1524 with cysteine.
Molecular consequence: missense variant.
Genome position (GRCh38, 1-based): chr20:34,999,600, A>T. VCF-style: chr20-34999600-A-T. GRCh37 (hg19) VCF-style: chr20-33587403-A-T.
Other names: short protein forms S1524C.
Identifiers: ClinVar variation 2994800 (VCV002994800.3), dbSNP rs775355117, ClinGen allele CA9828167.

ClinVar aggregate classification (germline): Uncertain significance (1 of 4 stars; one submission).

Allele frequency attached by ClinVar (database versions not stated): ExAC 0.00002.
gnomAD v4.1: 3 of 1,612,932 alleles (0.00019%); highest among the groups gnomAD compares: Non-Finnish European, 0.00017%; no homozygotes.

Submission:

Labcorp Genetics (formerly Invitae), Labcorp
Classification: Uncertain significance. Last evaluated: 2023-09-20. Review status: criteria provided, single submitter. Criteria: Invitae Variant Classification Sherloc (09022015). Collection method: clinical testing. Allele origin: germline.
Comment: In summary, the available evidence is currently insufficient to determine the role of this variant in disease. Therefore, it has been classified as a Variant of Uncertain Significance. Algorithms developed to predict the effect of sequence changes on RNA splicing suggest that this variant may create or strengthen a splice site. Advanced modeling of protein sequence and biophysical properties (such as structural, functional, and spatial information, amino acid conservation, physicochemical variation, residue mobility, and thermodynamic stability) performed at Invitae indicates that this missense variant is not expected to disrupt MYH7B protein function. This variant has not been reported in the literature in individuals affected with MYH7B-related conditions. This variant is present in population databases (rs775355117, gnomAD 0.002%). This sequence change replaces serine, which is neutral and polar, with cysteine, which is neutral and slightly polar, at codon 1566 of the MYH7B protein (p.Ser1566Cys).